The following is an entry in ClinVar:

ClinVar aggregate classification (germline): Uncertain significance. Review status: criteria provided, multiple submitters, no conflicts (2 of 4 stars). 2 submissions from 2 submitters: Uncertain significance (2). Last evaluated 2024-09-09.

Conditions:
Glomerulonephritis. Also called: Glomerulonephritis (disease). Identifiers: MedGen C0017658, MONDO:0002462, HP:0000099.
Charcot-Marie-Tooth disease dominant intermediate E. Also called: CHARCOT-MARIE-TOOTH NEUROPATHY WITH FOCAL SEGMENTAL GLOMERULONEPHRITIS. Identifiers: Orphanet 93114, MedGen C4302667, MONDO:0013758, OMIM 614455.
Focal segmental glomerulosclerosis 5 (FSGS5). Identifiers: Orphanet 656, MedGen C2750475, MONDO:0013191, OMIM 613237.

Allele frequency attached by ClinVar (database versions not stated): gnomAD exomes 0.00001 and 0.00003; ExAC 0.00004; gnomAD 0.00012 and 0.00015; TOPMed 0.00012; ESP Exome Variant Server 0.00041.
gnomAD v4.1: 30 of 1,612,272 alleles (0.0019%); highest among the groups gnomAD compares: African/African-American, 0.04%; no homozygotes.

Submissions (2):

Labcorp Genetics (formerly Invitae), Labcorp
Classification: Uncertain significance for Charcot-Marie-Tooth disease dominant intermediate E; Focal segmental glomerulosclerosis 5. Last evaluated: 2024-09-09. Review status: criteria provided, single submitter. Criteria: Invitae Variant Classification Sherloc (09022015). Collection method: clinical testing. Allele origin: germline.
Comment: This sequence change replaces isoleucine, which is neutral and non-polar, with threonine, which is neutral and polar, at codon 685 of the INF2 protein (p.Ile685Thr). The frequency data for this variant in the population databases is considered unreliable, as metrics indicate poor data quality at this position in the gnomAD database. This variant has not been reported in the literature in individuals affected with INF2-related conditions. ClinVar contains an entry for this variant (Variation ID: 1210229). An algorithm developed to predict the effect of missense changes on protein structure and function outputs the following: PolyPhen-2: "Not Available". The threonine amino acid residue is found in multiple mammalian species, which suggests that this missense change does not adversely affect protein function. In summary, the available evidence is currently insufficient to determine the role of this variant in disease. Therefore, it has been classified as a Variant of Uncertain Significance.

UNC Molecular Genetics  Laboratory, University of North Carolina at Chapel Hill
Classification: Uncertain significance for Glomerulonephritis. Last evaluated: 2021-06-24. Review status: criteria provided, single submitter. Criteria: ACMG Guidelines, 2015. Collection method: clinical testing. Allele origin: germline. Affected: yes. Observed: 1 heterozygote.

NM_022489.4(INF2):c.2054T>C (p.Ile685Thr)

Gene: INF2 (inverted formin 2; plus strand). Cytogenetic location: 14q32.33.
Variant type: single nucleotide variant.
Coding change: c.2054T>C on transcript NM_022489.4 (MANE Select); coding-DNA position 2054, T replaced by C.
Protein change: p.Ile685Thr; replaces isoleucine 685 with threonine.
Molecular consequence: missense variant.
Genome position (GRCh38, 1-based): chr14:104,709,621, T>C. VCF-style: chr14-104709621-T-C. GRCh37 (hg19) VCF-style: chr14-105175958-T-C.
Other names: c.2054T>C, p.Ile685Thr (NM_001031714.4); short protein forms I685T.
Identifiers: ClinVar variation 1210229 (VCV001210229.7), dbSNP rs201203979, ClinGen allele CA7372815.
Genomic context (GRCh38, chr14:104,709,621, plus strand): 5'-GTCCGGGAGGGCGGGAAGCTGGCATGGGGGGATCCCACATGCCGTTCTCCTCCTGGCAGA[T>C]TGAAAACCTGCGGGCATTCACAGAGGAGCGAGCCAAGCTGGCCAGCGCCGACCACTTCTA-3'
Protein context (NP_071934.3, residues 675-695): LLKLLPEKHE[Ile685Thr]ENLRAFTEER